The following is an entry in ClinVar:

ClinVar aggregate classification (germline): Uncertain significance (1 of 4 stars; one submission).

Conditions:
Tuberous sclerosis 2 (TSC2). Identifiers: Orphanet 805, MedGen C1860707, MONDO:0013199, OMIM 613254.

Allele frequency attached by ClinVar (database versions not stated): gnomAD exomes below 0.00001.
gnomAD v4.1: 1 of 1,607,062 alleles (0.000062%); highest among the groups gnomAD compares: Non-Finnish European, 0.000085%; no homozygotes.

Submission:

Labcorp Genetics (formerly Invitae), Labcorp
Classification: Uncertain significance for Tuberous sclerosis 2. Last evaluated: 2023-09-05. Review status: criteria provided, single submitter. Criteria: Invitae Variant Classification Sherloc (09022015). Collection method: clinical testing. Allele origin: germline.
Comment: In summary, the available evidence is currently insufficient to determine the role of this variant in disease. Therefore, it has been classified as a Variant of Uncertain Significance. Variants that disrupt the consensus splice site are a relatively common cause of aberrant splicing (PMID: 17576681, 9536098). Algorithms developed to predict the effect of sequence changes on RNA splicing suggest that this variant is not likely to affect RNA splicing. This variant has not been reported in the literature in individuals affected with TSC2-related conditions. This variant is not present in population databases (gnomAD no frequency). This sequence change falls in intron 10 of the TSC2 gene. It does not directly change the encoded amino acid sequence of the TSC2 protein. It affects a nucleotide within the consensus splice site.

Literature cited by the submitters: PubMed 17576681; PubMed 9536098.

NM_000548.5(TSC2):c.975+3A>G

Gene: TSC2 (TSC complex subunit 2; plus strand). Cytogenetic location: 16p13.3.
Variant type: single nucleotide variant.
Coding change: c.975+3A>G on transcript NM_000548.5 (MANE Select); 3 bases into the intron after coding-DNA position 975, A replaced by G.
Molecular consequence: intron variant.
Genome position (GRCh38, 1-based): chr16:2,058,876, A>G. VCF-style: chr16-2058876-A-G. GRCh37 (hg19) VCF-style: chr16-2108877-A-G.
Other names: c.828+3A>G (NM_001406679.1, NM_001406675.1, NM_001406676.1 and 1 more transcripts); c.375+3A>G (NM_001406686.1, NM_001406680.1, NM_001406683.1 and 6 more transcripts); c.1008+3A>G (NM_001318832.2); c.-457+3A>G (NM_001406693.1, NM_001406689.1, NM_001406690.1 and 4 more transcripts); c.1065+3A>G (NM_001406667.1, NM_001406668.1); c.-633+3A>G (NM_001406698.1); c.975+3A>G (NM_001114382.3, NM_001406663.1, NM_001406664.1 and 6 more transcripts); c.-338+3A>G (NM_001406694.1, NM_001406695.1); and 4 more.
Identifiers: ClinVar variation 3017902 (VCV003017902.3), dbSNP rs1131692179, ClinGen allele CA2631086994.